The following is an entry in ClinVar:

NM_003074.4(SMARCC1):c.94C>T (p.Arg32Ter)

Gene: SMARCC1 (SWI/SNF related BAF chromatin remodeling complex subunit C1; minus strand). Cytogenetic location: 3p21.31.
Variant type: single nucleotide variant.
Coding change: c.94C>T on transcript NM_003074.4 (MANE Select); coding-DNA position 94, C replaced by T.
Protein change: p.Arg32Ter; replaces arginine 32 with a stop codon.
Molecular consequence: nonsense.
Genome position (GRCh38, 1-based): chr3:47,781,704, G>A on the plus strand (C>T on the coding strand, the complement: SMARCC1 is on the minus strand). VCF-style: chr3-47781704-G-A. GRCh37 (hg19) VCF-style: chr3-47823194-G-A.
Other names: short protein forms R32*.
Identifiers: ClinVar variation 5000229 (VCV005000229.1).

ClinVar aggregate classification (germline): Uncertain significance (1 of 4 stars; one submission).

Conditions:
SMARCC1-related disorder. Also called: SMARCC1-related condition.

Submission:

PreventionGenetics, part of Exact Sciences
Classification: Uncertain significance for SMARCC1-related condition. Last evaluated: 2025-05-05. Review status: criteria provided, single submitter. Criteria: ACMG Guidelines, 2015. Collection method: clinical testing. Allele origin: germline.
Comment: The SMARCC1 c.94C>T variant is predicted to result in premature protein termination (p.Arg32*). To our knowledge, this variant has not been reported in the literature or in a large population database (gnomAD), indicating this variant is rare. While loss-of-function variants have been reproted causative in SMARCC1-related disorders, to our knowledge, there are no documented causative variants upstream of the p.Arg32* variant identified in this individual. Although we suspect that this variant may be pathogenic, at this time, the clinical significance of this variant is uncertain due to the absence of conclusive functional and genetic evidence.